The following is an entry in ClinVar:

NM_000179.3(MSH6):c.596C>T (p.Pro199Leu)

Gene: MSH6 (mutS homolog 6; plus strand). Cytogenetic location: 2p16.3.
Variant type: single nucleotide variant.
Coding change: c.596C>T on transcript NM_000179.3 (MANE Select); coding-DNA position 596, C replaced by T.
Protein change: p.Pro199Leu; replaces proline 199 with leucine.
Molecular consequence: missense variant. On other transcripts: 5 prime UTR variant (1), intron variant (2).
Genome position (GRCh38, 1-based): chr2:47,796,032, C>T. VCF-style: chr2-47796032-C-T. GRCh37 (hg19) VCF-style: chr2-48023171-C-T.
Other names: c.-307C>T (NM_001281494.2); c.-279-2579C>T (NM_001281493.2); c.238-2579C>T (NM_001281492.2); short protein forms P199L.
Identifiers: ClinVar variation 142218 (VCV000142218.25), dbSNP rs587782315, ClinGen allele CA015926.
Genomic context (GRCh38, chr2:47,796,032, plus strand): 5'-CAGATGAAGCCTTAAATAAAGACAAGATTAAGAGGCTTGAATTGGCAGTTTGTGATGAGC[C>T]CTCAGAGCCAGAAGAGGAAGAAGAGATGGAGGTGGGACACGGCAAGCATTCAGTTGTTAT-3'
Protein context (NP_000170.1, residues 189-209): KRLELAVCDE[Pro199Leu]SEPEEEEEME

ClinVar aggregate classification (germline): Conflicting classifications of pathogenicity. Review status: criteria provided, conflicting classifications (1 of 4 stars). 6 submissions from 6 submitters: Uncertain significance (5); Likely benign (1). Last evaluated 2026-01-26.

Conditions:
Hereditary nonpolyposis colorectal neoplasms. Identifiers: MedGen C0009405, MeSH D003123.
Hereditary cancer-predisposing syndrome. Also called: Neoplastic Syndromes, Hereditary; Tumor predisposition; Hereditary Cancer Syndrome; Hereditary neoplastic syndrome. Identifiers: Orphanet 140162, MedGen C0027672, MeSH D009386, MONDO:0015356.
Lynch syndrome. Identifiers: Orphanet 144, MedGen C4552100, MONDO:0005835. Disease mechanism: loss of function.
Lynch syndrome 5 (LYNCH5). Also called: Colorectal cancer, hereditary nonpolyposis, type 5; Hereditary non-polyposis colorectal cancer, type 5. Identifiers: Orphanet 144, MedGen C1833477, MONDO:0013710, OMIM 614350. Disease mechanism: loss of function.

Allele frequency attached by ClinVar (database versions not stated): gnomAD exomes below 0.00001 and 0.00001; TOPMed 0.00001.
gnomAD v4.1: 14 of 1,613,786 alleles (0.00087%); highest among the groups gnomAD compares: Non-Finnish European, 0.0011%; no homozygotes.

Submissions (6):

Labcorp Genetics (formerly Invitae), Labcorp
Classification: Likely benign for Hereditary nonpolyposis colorectal neoplasms. Last evaluated: 2026-01-26. Review status: criteria provided, single submitter. Criteria: Invitae Variant Classification Sherloc (09022015). Collection method: clinical testing. Allele origin: germline.

All of Us Research Program, National Institutes of Health
Classification: Uncertain significance for Lynch syndrome. Last evaluated: 2024-09-06. Review status: criteria provided, single submitter. Criteria: ACMG Guidelines, 2015. Collection method: clinical testing. Allele origin: germline. Inheritance: Autosomal dominant inheritance. Observed: 3 variant alleles, 3 heterozygotes.
Comment: This missense variant replaces proline with leucine at codon 199 of the MSH6 protein. Computational prediction suggests that this variant may not impact protein structure and function (internally defined REVEL score threshold <= 0.5, PMID: 27666373). To our knowledge, functional studies have not been reported for this variant. This variant has been reported in an individual affected with uterine papillary serous carcinoma that displayed loss of MSH6 protein via immunohistochemistry and who had a family history of Lynch syndrome-associated cancer (PMID: 25617771), as well as in an individual affected with an unspecified cancer having clinical features of Lynch syndrome (PMID: 31391288). This variant has been identified in 1/251398 chromosomes in the general population by the Genome Aggregation Database (gnomAD). The available evidence is insufficient to determine the role of this variant in disease conclusively. Therefore, this variant is classified as a Variant of Uncertain Significance.

This study involves interpretation of variants in research participants for the purpose of population health screening. Participant phenotype was not available at the time of variant classification. Additional details can be found in publication PMID: 35346344, PMCID: PMC8962531

GeneDx
Classification: Uncertain significance. Last evaluated: 2024-04-23. Review status: criteria provided, single submitter. Criteria: GeneDx Variant Classification Process June 2021. Collection method: clinical testing. Allele origin: germline. Affected: yes.
Comment: Not observed at significant frequency in large population cohorts (gnomAD); In silico analysis supports that this missense variant has a deleterious effect on protein structure/function; Observed in an individual with uterine cancer, which showed loss of MSH6 protein on immunohistochemistry analysis (PMID: 25617771); This variant is associated with the following publications: (PMID: 30246500, 25617771, 31391288)

Ambry Genetics
Classification: Uncertain significance for Hereditary cancer-predisposing syndrome. Last evaluated: 2024-03-01. Review status: criteria provided, single submitter. Criteria: Ambry Variant Classification Scheme 2023. Collection method: clinical testing. Allele origin: germline.
Comment: The p.P199L variant (also known as c.596C>T), located in coding exon 3 of the MSH6 gene, results from a C to T substitution at nucleotide position 596. The proline at codon 199 is replaced by leucine, an amino acid with similar properties. This patient was also found to have a germline MLH1 p.N570S alteration also classified as a variant of unknown significance (Frolova AI et al. Gynecol Oncol, 2015 Apr;137:7-13). This amino acid position is highly conserved in available vertebrate species. In addition, the in silico prediction for this alteration is inconclusive. Since supporting evidence is limited at this time, the clinical significance of this alteration remains unclear.

Color Diagnostics, LLC DBA Color Health
Classification: Uncertain significance for Hereditary cancer-predisposing syndrome. Last evaluated: 2023-11-09. Review status: criteria provided, single submitter. Criteria: ACMG Guidelines, 2015. Collection method: clinical testing. Allele origin: germline.
Comment: This missense variant replaces proline with leucine at codon 199 of the MSH6 protein. Computational prediction suggests that this variant may not impact protein structure and function (internally defined REVEL score threshold <= 0.5, PMID: 27666373). To our knowledge, functional studies have not been reported for this variant. This variant has been reported in an individual affected with uterine papillary serous carcinoma that displayed loss of MSH6 protein via immunohistochemistry and who had a family history of Lynch syndrome-associated cancer (PMID: 25617771), as well as in an individual affected with an unspecified cancer having clinical features of Lynch syndrome (PMID: 31391288). This variant has been identified in 1/251398 chromosomes in the general population by the Genome Aggregation Database (gnomAD). The available evidence is insufficient to determine the role of this variant in disease conclusively. Therefore, this variant is classified as a Variant of Uncertain Significance.

Department of Pathology and Laboratory Medicine, Sinai Health System
Classification: Uncertain significance for Lynch syndrome 5. Last evaluated: 2021-07-27. Review status: criteria provided, single submitter. Criteria: ACMG Guidelines, 2015. Collection method: clinical testing. Allele origin: germline. Affected: yes.

Literature cited by the submitters: PubMed 25617771 (cited by 3 submitters); PubMed 31391288 (cited by All of Us Research Program, National Institutes of Health and Color Diagnostics, LLC DBA Color Health).